The following is an entry in ClinVar:

NM_000264.5(PTCH1):c.2739C>A (p.Ile913=)

Gene: PTCH1 (patched 1; minus strand). Cytogenetic location: 9q22.32.
Variant type: single nucleotide variant.
Coding change: c.2739C>A on transcript NM_000264.5 (MANE Select); coding-DNA position 2739, C replaced by A.
Protein change: p.Ile913=; no amino-acid change (isoleucine 913 retained).
Molecular consequence: synonymous variant. On other transcripts: non-coding transcript variant (1).
Genome position (GRCh38, 1-based): chr9:95,459,748, G>T on the plus strand (C>A on the coding strand, the complement: PTCH1 is on the minus strand). VCF-style: chr9-95459748-G-T. GRCh37 (hg19) VCF-style: chr9-98222030-G-T.
Other names: c.2541C>A, p.Ile847= (NM_001083602.3); c.2736C>A, p.Ile912= (NM_001083603.3); c.2286C>A, p.Ile762= (NM_001083604.3, NM_001083607.3, NM_001083605.3 and 1 more transcripts); c.2583C>A, p.Ile861= (NM_001354918.2).
Identifiers: ClinVar variation 453830 (VCV000453830.12), dbSNP rs1305314328, ClinGen allele CA466111908.
Genomic context (GRCh38, chr9:95,459,748, plus strand): 5'-CGCGACGGGGTCGTTGCTGACCCAAGCCGTCAGGTAGATGTAGAAAGCGCTGGGATTAAT[G>T]ATGCCATCTGCATCCACCAGACGCTGTTTAGTCAACTACAAAAACGGGAAGAACAGAGGC-3'
Protein context (NP_000255.2, residues 903-923): TKQRLVDADG[Ile913=]INPSAFYIYL

ClinVar aggregate classification (germline): Conflicting classifications of pathogenicity. Review status: criteria provided, conflicting classifications (1 of 4 stars). 3 submissions from 3 submitters: Uncertain significance (1); Likely benign (2). Last evaluated 2024-04-15.

Conditions:
Hereditary cancer-predisposing syndrome. Also called: Tumor predisposition; Hereditary Cancer Syndrome; Neoplastic Syndromes, Hereditary; Hereditary neoplastic syndrome. Identifiers: Orphanet 140162, MedGen C0027672, MeSH D009386, MONDO:0015356.
Gorlin syndrome. Also called: Basal cell nevus syndrome; Nevoid Basal Cell Carcinoma Syndrome. Identifiers: Orphanet 377, MedGen C0004779, MONDO:0007187.

Allele frequency attached by ClinVar (database versions not stated): gnomAD 0.00001.
gnomAD v4.1: 1 of 1,614,062 alleles (0.000062%); highest among the groups gnomAD compares: Non-Finnish European, 0.000085%; no homozygotes.

Submissions (3):

Labcorp Genetics (formerly Invitae), Labcorp
Classification: Likely benign for Gorlin syndrome. Last evaluated: 2024-04-15. Review status: criteria provided, single submitter. Criteria: Invitae Variant Classification Sherloc (09022015). Collection method: clinical testing. Allele origin: germline.

GeneDx
Classification: Uncertain significance. Last evaluated: 2024-04-01. Review status: criteria provided, single submitter. Criteria: GeneDx Variant Classification Process June 2021. Collection method: clinical testing. Allele origin: germline. Affected: yes.
Comment: Not observed at significant frequency in large population cohorts (gnomAD); In silico analysis supports that this variant does not alter splicing; Has not been previously published as pathogenic or benign to our knowledge

Ambry Genetics
Classification: Likely benign for Hereditary cancer-predisposing syndrome. Last evaluated: 2022-07-17. Review status: criteria provided, single submitter. Criteria: Ambry Variant Classification Scheme 2023. Collection method: clinical testing. Allele origin: germline.